The following is an entry in ClinVar:

ClinVar aggregate classification (germline): Likely benign. Review status: criteria provided, multiple submitters, no conflicts (2 of 4 stars). 4 submissions from 4 submitters: Likely benign (4). Last evaluated 2025-04-07.

Conditions:
Peutz-Jeghers syndrome (PJS). Also called: POLYPOSIS, HAMARTOMATOUS INTESTINAL; POLYPS-AND-SPOTS SYNDROME; Peutz-Jeghers polyposis; Periorificial lentiginosis syndrome. Identifiers: Orphanet 2869, MedGen C0031269, MeSH D010580, MONDO:0008280, OMIM 175200.
Hereditary cancer-predisposing syndrome. Also called: Hereditary neoplastic syndrome; Neoplastic Syndromes, Hereditary; Tumor predisposition; Hereditary Cancer Syndrome. Identifiers: Orphanet 140162, MedGen C0027672, MeSH D009386, MONDO:0015356.

Allele frequency attached by ClinVar (database versions not stated): gnomAD exomes below 0.00001; ExAC 0.00001.

Submissions (4):

Labcorp Genetics (formerly Invitae), Labcorp
Classification: Likely benign for Peutz-Jeghers syndrome. Last evaluated: 2025-04-07. Review status: criteria provided, single submitter. Criteria: Invitae Variant Classification Sherloc (09022015). Collection method: clinical testing. Allele origin: germline.

Myriad Genetics, Inc.
Classification: Likely benign for Peutz-Jeghers syndrome. Last evaluated: 2025-03-28. Review status: criteria provided, single submitter. Criteria: Myriad Autosomal Dominant, Autosomal Recessive and X-Linked Classification Criteria (2023). Collection method: clinical testing. Allele origin: unknown.
Comment: This variant is considered likely benign. This variant is intronic and is not expected to impact mRNA splicing.

All of Us Research Program, National Institutes of Health
Classification: Likely benign for Peutz-Jeghers syndrome. Last evaluated: 2023-12-13. Review status: criteria provided, single submitter. Criteria: ACMG Guidelines, 2015. Collection method: clinical testing. Allele origin: germline. Inheritance: Autosomal dominant inheritance. Observed: 1 variant allele, 1 heterozygote.
Comment: This study involves interpretation of variants in research participants for the purpose of population health screening. Participant phenotype was not available at the time of variant classification. Additional details can be found in publication PMID: 35346344, PMCID: PMC8962531

Color Diagnostics, LLC DBA Color Health
Classification: Likely benign for Hereditary cancer-predisposing syndrome. Last evaluated: 2020-07-13. Review status: criteria provided, single submitter. Criteria: ACMG Guidelines, 2015. Collection method: clinical testing. Allele origin: germline.

NM_000455.5(STK11):c.1109-9C>T

Gene: STK11 (serine/threonine kinase 11; plus strand). Cytogenetic location: 19p13.3.
Variant type: single nucleotide variant.
Coding change: c.1109-9C>T on transcript NM_000455.5 (MANE Select); 9 bases into the intron before coding-DNA position 1109, C replaced by T.
Molecular consequence: intron variant.
Genome position (GRCh38, 1-based): chr19:1,226,445, C>T. VCF-style: chr19-1226445-C-T. GRCh37 (hg19) VCF-style: chr19-1226444-C-T.
Identifiers: ClinVar variation 412551 (VCV000412551.16), dbSNP rs745698182, ClinGen allele CA045488.
Genomic context (GRCh38, chr19:1,226,445, plus strand): 5'-CCAGCCAGGTCCCTGTGGCTCTGGGGTTGCGCCCCTCAGCTCAGGCCACACTTGCCGTCT[C>T]CCTCCCAGGACAGGTCCCAGAAGAGGAGGCCAGTCACAATGGACAGCGCCGGGGCCTCCC-3'